The following is an entry in ClinVar:

ClinVar aggregate classification (germline): Uncertain significance (1 of 4 stars; one submission).

Conditions:
Hereditary hyperekplexia. Identifiers: Orphanet 3197, MedGen C4084968, MONDO:0021022.

Allele frequency attached by ClinVar (database versions not stated): gnomAD exomes below 0.00001; TOPMed 0.00001.
gnomAD v4.1: 1 of 1,613,564 alleles (0.000062%); highest among the groups gnomAD compares: African/African-American, 0.0013%; no homozygotes.

Submission:

Labcorp Genetics (formerly Invitae), Labcorp
Classification: Uncertain significance for Hereditary hyperekplexia. Last evaluated: 2023-10-20. Review status: criteria provided, single submitter. Criteria: Invitae Variant Classification Sherloc (09022015). Collection method: clinical testing. Allele origin: germline.
Comment: This sequence change replaces valine, which is neutral and non-polar, with glycine, which is neutral and non-polar, at codon 206 of the GLRA1 protein (p.Val206Gly). This variant is not present in population databases (gnomAD no frequency). This variant has not been reported in the literature in individuals affected with GLRA1-related conditions. ClinVar contains an entry for this variant (Variation ID: 1006235). Advanced modeling of protein sequence and biophysical properties (such as structural, functional, and spatial information, amino acid conservation, physicochemical variation, residue mobility, and thermodynamic stability) has been performed at Invitae for this missense variant, however the output from this modeling did not meet the statistical confidence thresholds required to predict the impact of this variant on GLRA1 protein function. In summary, the available evidence is currently insufficient to determine the role of this variant in disease. Therefore, it has been classified as a Variant of Uncertain Significance.

NM_000171.4(GLRA1):c.617T>G (p.Val206Gly)

Gene: GLRA1 (glycine receptor alpha 1; minus strand). Cytogenetic location: 5q33.1.
Variant type: single nucleotide variant.
Coding change: c.617T>G on transcript NM_000171.4 (MANE Select); coding-DNA position 617, T replaced by G.
Protein change: p.Val206Gly; replaces valine 206 with glycine.
Molecular consequence: missense variant.
Genome position (GRCh38, 1-based): chr5:151,855,120, A>C on the plus strand (T>G on the coding strand, the complement: GLRA1 is on the minus strand). VCF-style: chr5-151855120-A-C. GRCh37 (hg19) VCF-style: chr5-151234681-A-C.
Other names: c.617T>G, p.Val206Gly (NM_001146040.2); c.368T>G, p.Val123Gly (NM_001292000.2); short protein forms V123G, V206G.
Identifiers: ClinVar variation 1006235 (VCV001006235.8), dbSNP rs1581619756, ClinGen allele CA361839914.
Genomic context (GRCh38, chr5:151,855,120, plus strand): 5'-CAGTATCTCAAGTCCTTCTCTTCCTTCAAGATAAACTGGGGCAGAGTTAGTCCATCTGCT[A>C]CCTGCACGGCTCCCTGTTCCTGCCACTCAAAGATGAGGTCATTCATCGTATATCCAACTG-3'
Protein context (NP_000162.2, residues 196-216): FEWQEQGAVQ[Val206Gly]ADGLTLPQFI